The following is an entry in ClinVar:

NM_004963.4(GUCY2C):c.56G>A (p.Trp19Ter)

Genes: GUCY2C (guanylate cyclase 2C; minus strand), GUCY2C-AS1 (GUCY2C antisense RNA 1; plus strand). Cytogenetic location: 12p12.3.
Variant type: single nucleotide variant.
Coding change: c.56G>A on transcript NM_004963.4 (MANE Select); coding-DNA position 56, G replaced by A.
Protein change: p.Trp19Ter; replaces tryptophan 19 with a stop codon.
Molecular consequence: nonsense.
Genome position (GRCh38, 1-based): chr12:14,696,393, C>T on the plus strand (G>A on the coding strand, the complement: GUCY2C is on the minus strand). VCF-style: chr12-14696393-C-T. GRCh37 (hg19) VCF-style: chr12-14849327-C-T.
Other names: short protein forms W19*.
Identifiers: ClinVar variation 1373443 (VCV001373443.6), dbSNP rs202042180, ClinGen allele CA6463853.

ClinVar aggregate classification (germline): Uncertain significance (1 of 4 stars; one submission).

Allele frequency attached by ClinVar (database versions not stated): ExAC 0.00001; gnomAD 0.00001; gnomAD exomes 0.00001; TOPMed 0.00001; ESP Exome Variant Server 0.00008.
gnomAD v4.1: 16 of 1,614,006 alleles (0.00099%); highest among the groups gnomAD compares: African/African-American, 0.0013%; no homozygotes.

Submission:

Labcorp Genetics (formerly Invitae), Labcorp
Classification: Uncertain significance. Last evaluated: 2023-01-13. Review status: criteria provided, single submitter. Criteria: Invitae Variant Classification Sherloc (09022015). Collection method: clinical testing. Allele origin: germline.
Comment: In summary, the available evidence is currently insufficient to determine the role of this variant in disease. Therefore, it has been classified as a Variant of Uncertain Significance. ClinVar contains an entry for this variant (Variation ID: 1373443). This variant has not been reported in the literature in individuals affected with GUCY2C-related conditions. This variant is present in population databases (rs202042180, gnomAD 0.002%). This sequence change creates a premature translational stop signal (p.Trp19*) in the GUCY2C gene. It is expected to result in an absent or disrupted protein product. However, the current clinical and genetic evidence is not sufficient to establish whether loss-of-function variants in GUCY2C cause disease.